The following is an entry in ClinVar:

ClinVar aggregate classification (germline): Uncertain significance (1 of 4 stars; one submission).

Submission:

Labcorp Genetics (formerly Invitae), Labcorp
Classification: Uncertain significance. Last evaluated: 2021-03-02. Review status: criteria provided, single submitter. Criteria: Invitae Variant Classification Sherloc (09022015). Collection method: clinical testing. Allele origin: germline.
Comment: This variant has not been reported in the literature in individuals with RPL19-related conditions. Algorithms developed to predict the effect of missense changes on protein structure and function are either unavailable or do not agree on the potential impact of this missense change (SIFT: "Deleterious"; PolyPhen-2: "Benign"; Align-GVGD: "Class C0"). This variant is not present in population databases (ExAC no frequency). In summary, the available evidence is currently insufficient to determine the role of this variant in disease. Therefore, it has been classified as a Variant of Uncertain Significance. This sequence change replaces serine with isoleucine at codon 13 of the RPL19 protein (p.Ser13Ile). The serine residue is highly conserved and there is a large physicochemical difference between serine and isoleucine.

NM_000981.4(RPL19):c.38G>T (p.Ser13Ile)

Gene: RPL19 (ribosomal protein L19; plus strand). Cytogenetic location: 17q12.
Variant type: single nucleotide variant.
Coding change: c.38G>T on transcript NM_000981.4 (MANE Select); coding-DNA position 38, G replaced by T.
Protein change: p.Ser13Ile; replaces serine 13 with isoleucine.
Molecular consequence: missense variant.
Genome position (GRCh38, 1-based): chr17:39,201,245, G>T. VCF-style: chr17-39201245-G-T. GRCh37 (hg19) VCF-style: chr17-37357498-G-T.
Other names: c.32G>T, p.Ser11Ile (NM_001330200.1); short protein forms S11I, S13I.
Identifiers: ClinVar variation 1376527 (VCV001376527.8), dbSNP rs2144207289, ClinGen allele CA398834470.